The following is an entry in ClinVar:

NM_004369.4(COL6A3):c.51C>T (p.Leu17=)

Gene: COL6A3 (collagen type VI alpha 3 chain; minus strand). Cytogenetic location: 2q37.3.
Variant type: single nucleotide variant.
Coding change: c.51C>T on transcript NM_004369.4 (MANE Select); coding-DNA position 51, C replaced by T.
Protein change: p.Leu17=; no amino-acid change (leucine 17 retained).
Molecular consequence: synonymous variant.
Genome position (GRCh38, 1-based): chr2:237,396,767, G>A on the plus strand (C>T on the coding strand, the complement: COL6A3 is on the minus strand). VCF-style: chr2-237396767-G-A. GRCh37 (hg19) VCF-style: chr2-238305410-G-A.
Other names: c.51C>T, p.Leu17= (NM_057164.5, NM_057165.5, NM_057166.5 and 1 more transcripts).
Identifiers: ClinVar variation 4738770 (VCV004738770.1).
Genomic context (GRCh38, chr2:237,396,767, plus strand): 5'-AGGACGTTTCTGGCTCTTACCTGCTTGCTGCTGCTGGGCATGAGTTGTAGGAAAGCCTGA[G>A]AGAAAGAGGCAAAAGACGGCCACTAAGGGCAAGTGCCGATGTTTCCTCATTTTGAATTTG-3'
Protein context (NP_004360.2, residues 7-27): LPLVAVFCLF[Leu17=]SGFPTTHAQQ

ClinVar aggregate classification (germline): Uncertain significance (1 of 4 stars; one submission).

Conditions:
Bethlem myopathy 1A. Also called: MYOPATHY, BENIGN CONGENITAL, WITH CONTRACTURES; Bethlem myopathy 1; Bethlem Muscular Dystrophy. Identifiers: Orphanet 610, MedGen CN029274, MONDO:0024530, OMIM 158810.

gnomAD v4.1: 1 of 1,614,188 alleles (0.000062%); highest among the groups gnomAD compares: Non-Finnish European, 0.000085%; no homozygotes.

Submission:

Labcorp Genetics (formerly Invitae), Labcorp
Classification: Uncertain significance for Bethlem myopathy 1A. Last evaluated: 2025-10-26. Review status: criteria provided, single submitter. Criteria: Invitae Variant Classification Sherloc (09022015). Collection method: clinical testing. Allele origin: germline.
Comment: This sequence change affects codon 17 of the COL6A3 mRNA. It is a 'silent' change, meaning that it does not change the encoded amino acid sequence of the COL6A3 protein. This variant is present in population databases (rs535176072, gnomAD 0.0009%). This variant has not been reported in the literature in individuals affected with COL6A3-related conditions. Algorithms developed to predict the effect of sequence changes on RNA splicing suggest that this variant may create or strengthen a splice site. In summary, the available evidence is currently insufficient to determine the role of this variant in disease. Therefore, it has been classified as a Variant of Uncertain Significance.